The following is an entry in ClinVar:

NM_016107.5(ZFR):c.105GGC[7] (p.Ala43_Gln44insAla)

Gene: ZFR (zinc finger RNA binding protein; minus strand). Cytogenetic location: 5p13.3.
Variant type: Microsatellite.
Coding change: c.105GGC[7] on transcript NM_016107.5 (MANE Select); seven copies in a row of the 3-base unit GGC starting at c.105; the reference has six copies in a row; one copy, 3 bases duplicated.
Protein change: p.Ala43_Gln44insAla.
Molecular consequence: inframe insertion. On other transcripts: non-coding transcript variant (1).
Genome position (GRCh38, 1-based): chr5:32,444,244-32,444,246, GCC duplicated on the plus strand (GGC on the coding strand, the reverse complement: ZFR is on the minus strand); duplicating any 3 consecutive bases within chr5:32,444,244-32,444,261 gives the same sequence; the position shown is the placement nearest the transcript's 3' end. VCF-style (leftmost placement, unchanged base first): chr5-32444243-A-AGCC. GRCh37 (hg19) VCF-style: chr5-32444349-A-AGCC.
Identifiers: ClinVar variation 1969969 (VCV001969969.5), dbSNP rs772338532, ClinGen allele CA3222125.

ClinVar aggregate classification (germline): Uncertain significance (1 of 4 stars; one submission).

Conditions:
Pure or complex autosomal recessive spastic paraplegia. Identifiers: Orphanet 320346, MedGen C5679887, MONDO:0017915.

Submission:

Labcorp Genetics (formerly Invitae), Labcorp
Classification: Uncertain significance for Pure or complex autosomal recessive spastic paraplegia. Last evaluated: 2025-12-14. Review status: criteria provided, single submitter. Criteria: Invitae Variant Classification Sherloc (09022015). Collection method: clinical testing. Allele origin: germline.
Comment: This variant, c.120_122dup, results in the insertion of 1 amino acid(s) of the ZFR protein (p.Ala43dup), but otherwise preserves the integrity of the reading frame. This variant is present in population databases (rs775981250, gnomAD 0.03%). This variant has not been reported in the literature in individuals affected with ZFR-related conditions. In summary, the available evidence is currently insufficient to determine the role of this variant in disease. Therefore, it has been classified as a Variant of Uncertain Significance.